The following is an entry in ClinVar:

ClinVar aggregate classification (germline): Pathogenic (1 of 4 stars; one submission).

Conditions:
Gnathodiaphyseal dysplasia (GDD). Also called: GNATHODIAPHYSEAL SCLEROSIS; OSTEOGENESIS IMPERFECTA WITH UNUSUAL SKELETAL LESIONS. Identifiers: Orphanet 53697, MedGen C1833736, MONDO:0008151, OMIM 166260.
Autosomal recessive limb-girdle muscular dystrophy type 2L (LGMDR12). Also called: Limb-girdle muscular dystrophy, type 2L; MUSCULAR DYSTROPHY, LIMB-GIRDLE, AUTOSOMAL RECESSIVE 12; Limb-Girdle Muscular Dystrophy R12 Anoctamin-5-Related (LGMD-R12). Identifiers: Orphanet 206549, MedGen C1969785, MONDO:0012652, OMIM 611307.

gnomAD v4.1: 1 of 1,611,510 alleles (0.000062%); highest among the groups gnomAD compares: Non-Finnish European, 0.000085%; no homozygotes.

Submission:

Labcorp Genetics (formerly Invitae), Labcorp
Classification: Pathogenic for Autosomal recessive limb-girdle muscular dystrophy type 2L; Gnathodiaphyseal dysplasia. Last evaluated: 2025-08-18. Review status: criteria provided, single submitter. Criteria: Invitae Variant Classification Sherloc (09022015). Collection method: clinical testing. Allele origin: germline.
Comment: This sequence change creates a premature translational stop signal (p.Cys601*) in the ANO5 gene. It is expected to result in an absent or disrupted protein product. Loss-of-function variants in ANO5 are known to be pathogenic (PMID: 21186264, 23606453, 25891276, 30919934). This variant is not present in population databases (gnomAD no frequency). This premature translational stop signal has been observed in individual(s) with ANO5-related conditions (PMID: 23663589). For these reasons, this variant has been classified as Pathogenic.

Literature cited by the submitters: PubMed 21186264; PubMed 23606453; PubMed 25891276; PubMed 30919934; PubMed 23663589.

NM_213599.3(ANO5):c.1803T>A (p.Cys601Ter)

Gene: ANO5 (anoctamin 5; plus strand). Cytogenetic location: 11p14.3.
Variant type: single nucleotide variant.
Coding change: c.1803T>A on transcript NM_213599.3 (MANE Select); coding-DNA position 1803, T replaced by A.
Protein change: p.Cys601Ter; replaces cysteine 601 with a stop codon.
Molecular consequence: nonsense.
Genome position (GRCh38, 1-based): chr11:22,262,948, T>A. VCF-style: chr11-22262948-T-A. GRCh37 (hg19) VCF-style: chr11-22284494-T-A.
Other names: c.1800T>A, p.Cys600Ter (NM_001142649.2); c.1761T>A, p.Cys587Ter (NM_001410963.1); c.1758T>A, p.Cys586Ter (NM_001410964.1); c.1725T>A, p.Cys575Ter (NM_001441294.1); c.1722T>A, p.Cys574Ter (NM_001441295.1); c.1710T>A, p.Cys570Ter (NM_001441296.1); c.1683T>A, p.Cys561Ter (NM_001441297.1); c.1647T>A, p.Cys549Ter (NM_001441298.1); and 4 more; short protein forms C439*, C574*, C575*, C586*, C456*, C549*, C561*, C455*.
Identifiers: ClinVar variation 4783716 (VCV004783716.1).